The following is an entry in ClinVar:

NM_002528.7(NTHL1):c.679G>C (p.Gly227Arg)

Gene: NTHL1 (nth like DNA glycosylase 1; minus strand). Cytogenetic location: 16p13.3.
Variant type: single nucleotide variant.
Coding change: c.679G>C on transcript NM_002528.7 (MANE Select); coding-DNA position 679, G replaced by C.
Protein change: p.Gly227Arg; replaces glycine 227 with arginine.
Molecular consequence: missense variant.
Genome position (GRCh38, 1-based): chr16:2,043,573, C>G on the plus strand (G>C on the coding strand, the complement: NTHL1 is on the minus strand). VCF-style: chr16-2043573-C-G. GRCh37 (hg19) VCF-style: chr16-2093574-C-G.
Other names: c.508G>C, p.Gly170Arg (NM_001318193.2); c.349G>C, p.Gly117Arg (NM_001318194.2); short protein forms G227R, G117R, G170R.
Identifiers: ClinVar variation 3881361 (VCV003881361.1).
Genomic context (GRCh38, chr16:2,043,573, plus strand): 5'-GGAATCCCAAGAGCAGCCAGTGGGCTGGAGCCAGCCCCGCCCTCCTCTACTCACCAATGC[C>G]TGACACAGTGCCCCAGGCCACAGCCATAGCCAGGTGTGCCATCTTGGGCCCAACACCCGG-3'
Protein context (NP_002519.2, residues 217-237): AMAVAWGTVS[Gly227Arg]IAVDTHVHRI

ClinVar aggregate classification (germline): Uncertain significance (1 of 4 stars; one submission).

Conditions:
Hereditary cancer-predisposing syndrome. Also called: Tumor predisposition; Neoplastic Syndromes, Hereditary; Hereditary Cancer Syndrome; Hereditary neoplastic syndrome. Identifiers: Orphanet 140162, MedGen C0027672, MeSH D009386, MONDO:0015356.

Submission:

Ambry Genetics
Classification: Uncertain significance for Hereditary cancer-predisposing syndrome. Last evaluated: 2025-02-09. Review status: criteria provided, single submitter. Criteria: Ambry Variant Classification Scheme 2023. Collection method: clinical testing. Allele origin: germline.
Comment: The p.G235R variant (also known as c.703G>C), located in coding exon 4 of the NTHL1 gene, results from a G to C substitution at nucleotide position 703. The glycine at codon 235 is replaced by arginine, an amino acid with dissimilar properties. This amino acid position is conserved. In addition, this alteration is predicted to be deleterious by in silico analysis. Based on the available evidence, the clinical significance of this variant remains unclear.